The following is an entry in ClinVar:

ClinVar aggregate classification (germline): Uncertain significance (1 of 4 stars; one submission).

Allele frequency attached by ClinVar (database versions not stated): gnomAD exomes below 0.00001 and 0.00001; gnomAD 0.00001; TOPMed 0.00001.
gnomAD v4.1: 10 of 1,609,006 alleles (0.00062%); highest among the groups gnomAD compares: South Asian, 0.011%; no homozygotes.

Submission:

Labcorp Genetics (formerly Invitae), Labcorp
Classification: Uncertain significance. Last evaluated: 2024-02-24. Review status: criteria provided, single submitter. Criteria: Invitae Variant Classification Sherloc (09022015). Collection method: clinical testing. Allele origin: germline.
Comment: This sequence change replaces tryptophan, which is neutral and slightly polar, with arginine, which is basic and polar, at codon 6 of the NLRP1 protein (p.Trp6Arg). The frequency data for this variant in the population databases is considered unreliable, as metrics indicate poor data quality at this position in the gnomAD database. This variant has not been reported in the literature in individuals affected with NLRP1-related conditions. ClinVar contains an entry for this variant (Variation ID: 1468128). Algorithms developed to predict the effect of missense changes on protein structure and function output the following: SIFT: "Not Available"; PolyPhen-2: "Benign"; Align-GVGD: "Not Available". The arginine amino acid residue is found in multiple mammalian species, which suggests that this missense change does not adversely affect protein function. In summary, the available evidence is currently insufficient to determine the role of this variant in disease. Therefore, it has been classified as a Variant of Uncertain Significance.

NM_033004.4(NLRP1):c.16T>A (p.Trp6Arg)

Genes: NLRP1 (NLR family pyrin domain containing 1; minus strand), LOC126862475 (CDK7 strongly-dependent group 2 enhancer GRCh37_chr17:5487167-5488366; plus strand). Cytogenetic location: 17p13.2.
Variant type: single nucleotide variant.
Coding change: c.16T>A on transcript NM_033004.4 (MANE Select); coding-DNA position 16, T replaced by A.
Protein change: p.Trp6Arg; replaces tryptophan 6 with arginine.
Molecular consequence: missense variant.
Genome position (GRCh38, 1-based): chr17:5,583,942, A>T on the plus strand (T>A on the coding strand, the complement: NLRP1 is on the minus strand). VCF-style: chr17-5583942-A-T. GRCh37 (hg19) VCF-style: chr17-5487262-A-T.
Other names: c.16T>A, p.Trp6Arg (NM_001033053.3, NM_014922.5, NM_033006.4 and 1 more transcripts); short protein forms W6R.
Identifiers: ClinVar variation 1468128 (VCV001468128.8), dbSNP rs1451113448, ClinGen allele CA397391378.